The following is an entry in ClinVar:

ClinVar aggregate classification (germline): Benign/Likely benign. Review status: criteria provided, multiple submitters, no conflicts (2 of 4 stars). 11 submissions from 11 submitters: Benign (10); Likely benign (1). Last evaluated 2026-02-04.

Conditions:
Combined immunodeficiency due to DOCK8 deficiency (HIES2). Also called: Hyper-IgE recurrent infection syndrome, autosomal recessive; HYPER-IgE RECURRENT INFECTION SYNDROME 2, AUTOSOMAL RECESSIVE; DOCK8 Deficiency; HIES autosomal recessive; HYPER-IgE SYNDROME 2, AUTOSOMAL RECESSIVE, WITH RECURRENT INFECTIONS. Identifiers: Orphanet 217390, MedGen C4722305, MONDO:0009478, OMIM 243700.

Allele frequency attached by ClinVar (database versions not stated): 1000 Genomes Project 0.16434; 1000 Genomes Project 30x 0.16740; ExAC 0.16806; TOPMed 0.19785; ESP Exome Variant Server 0.21675.
gnomAD v4.1: 303,519 of 1,614,032 alleles (19%); highest among the groups gnomAD compares: African/African-American, 25%; 30,138 homozygotes.

Submissions (11):

Labcorp Genetics (formerly Invitae), Labcorp
Classification: Benign for Combined immunodeficiency due to DOCK8 deficiency. Last evaluated: 2026-02-04. Review status: criteria provided, single submitter. Criteria: Invitae Variant Classification Sherloc (09022015). Collection method: clinical testing. Allele origin: germline.

Women's Health and Genetics/Laboratory Corporation of America, LabCorp
Classification: Benign. Last evaluated: 2026-01-21. Review status: criteria provided, single submitter. Criteria: LabCorp Variant Classification Summary - May 2015. Collection method: clinical testing. Allele origin: germline.

Blueprint Genetics
Classification: Likely benign. Last evaluated: 2024-11-27. Review status: criteria provided, single submitter. Criteria: ACMG Guidelines, 2015. Collection method: clinical testing. Allele origin: germline.

Unidad de Genómica Garrahan, Hospital de Pediatría Garrahan
Classification: Benign. Last evaluated: 2023-11-12. Review status: criteria provided, single submitter. Criteria: ACMG Guidelines, 2015. Collection method: clinical testing. Allele origin: germline. Affected: no. Observed: 28 variant alleles.
Comment: This variant is classified as Benign based on local population frequency. This variant was detected in 29% of patients studied by a panel of primary immunodeficiencies. Number of patients: 28. Only high quality variants are reported.

Genome-Nilou Lab
Classification: Benign for Combined immunodeficiency due to DOCK8 deficiency. Last evaluated: 2021-07-30. Review status: criteria provided, single submitter. Criteria: ACMG Guidelines, 2015. Collection method: clinical testing. Allele origin: germline. Affected: no.

Mayo Clinic Laboratories, Mayo Clinic
Classification: Benign. Last evaluated: 2019-03-26. Review status: criteria provided, single submitter. Criteria: ACMG Guidelines, 2015. Collection method: clinical testing. Allele origin: germline. Observed: 300 variant alleles.

Illumina Laboratory Services, Illumina
Classification: Benign for Combined immunodeficiency due to DOCK8 deficiency. Last evaluated: 2018-01-12. Review status: criteria provided, single submitter. Criteria: ICSL Variant Classification Criteria 13 December 2019. Collection method: clinical testing. Allele origin: germline.
Comment: This variant was observed in the ICSL laboratory as part of a predisposition screen in an ostensibly healthy population. It had not been previously curated by ICSL or reported in the Human Gene Mutation Database (HGMD: prior to June 1st, 2018), and was therefore a candidate for classification through an automated scoring system. Utilizing variant allele frequency, disease prevalence and penetrance estimates, and inheritance mode, an automated score was calculated to assess if this variant is too frequent to cause the disease. Based on the score and internal cut-off values, a variant classified as benign is not then subjected to further curation. The score for this variant resulted in a classification of benign for this disease.

GeneDx
Classification: Benign. Last evaluated: 2014-03-20. Review status: criteria provided, single submitter. Criteria: GeneDx Variant Classification (06012015). Collection method: clinical testing. Allele origin: germline. Affected: yes.
Comment: This variant is considered likely benign or benign based on one or more of the following criteria: it is a conservative change, it occurs at a poorly conserved position in the protein, it is predicted to be benign by multiple in silico algorithms, and/or has population frequency not consistent with disease.

Laboratory for Molecular Medicine, Mass General Brigham Personalized Medicine
Classification: Benign. Last evaluated: 2013-02-21. Review status: criteria provided, single submitter. Criteria: LMM Criteria. Collection method: clinical testing. Allele origin: germline. Observed: 23 variant alleles.
Comment: Asn233Asn in exon 6 of DOCK8: This variant is not expected to have clinical sign ificance because it does not alter an amino acid residue and is not located with in the splice consensus sequence. It has been identified in 25.2% (1110/4406) of African American chromosomes from a broad population by the NHLBI Exome Sequenc ing Project (dbSNP rs2039045).

Breakthrough Genomics
Classification: Benign. Review status: criteria provided, single submitter. Criteria: ACMG Guidelines, 2015. Collection method: not provided. Allele origin: germline. Inheritance: Autosomal recessive inheritance. Affected: yes.

PreventionGenetics, part of Exact Sciences
Classification: Benign. Review status: criteria provided, single submitter. Criteria: ACMG Guidelines, 2015. Collection method: clinical testing. Allele origin: germline.

NM_203447.4(DOCK8):c.699T>C (p.Asn233=)

Gene: DOCK8 (dedicator of cytokinesis 8; plus strand). Cytogenetic location: 9p24.3.
Variant type: single nucleotide variant.
Coding change: c.699T>C on transcript NM_203447.4 (MANE Select); coding-DNA position 699, T replaced by C.
Protein change: p.Asn233=; no amino-acid change (asparagine 233 retained).
Molecular consequence: synonymous variant.
Genome position (GRCh38, 1-based): chr9:312,124, T>C. VCF-style: chr9-312124-T-C. GRCh37 (hg19) VCF-style: chr9-312124-T-C.
Other names: p.N165N:AAT>AAC; p.Asn233=; c.495T>C, p.Asn165= (NM_001190458.2, NM_001193536.2).
Identifiers: ClinVar variation 137157 (VCV000137157.26), dbSNP rs2039045, ClinGen allele CA175840.